The following is an entry in ClinVar:

NM_004415.4(DSP):c.5859C>G (p.Thr1953=)

Gene: DSP (desmoplakin; plus strand). Cytogenetic location: 6p24.3.
Variant type: single nucleotide variant.
Coding change: c.5859C>G on transcript NM_004415.4 (MANE Select); coding-DNA position 5859, C replaced by G.
Protein change: p.Thr1953=; no amino-acid change (threonine 1953 retained).
Molecular consequence: synonymous variant.
Genome position (GRCh38, 1-based): chr6:7,583,121, C>G. VCF-style: chr6-7583121-C-G. GRCh37 (hg19) VCF-style: chr6-7583354-C-G.
Other names: c.4062C>G, p.Thr1354= (NM_001008844.3); c.4530C>G, p.Thr1510= (NM_001319034.2).
Identifiers: ClinVar variation 1571178 (VCV001571178.11), dbSNP rs752518537, ClinGen allele CA045924.
Genomic context (GRCh38, chr6:7,583,121, plus strand): 5'-CCGATATCAGAGGGAGATTGATAAACTCAGACAGCGCCCATATGGGTCCCATCGAGAGAC[C>G]CAGACTGAGTGTGAGTGGACCGTTGACACCTCCAAGCTGGTGTTTGATGGGCTGAGGAAG-3'
Protein context (NP_004406.2, residues 1943-1963): RQRPYGSHRE[Thr1953=]QTECEWTVDT

ClinVar aggregate classification (germline): Likely benign. Review status: criteria provided, multiple submitters, no conflicts (2 of 4 stars). 3 submissions from 3 submitters: Likely benign (3). Last evaluated 2024-08-04.

Conditions:
Arrhythmogenic cardiomyopathy with wooly hair and keratoderma. Also called: Carvajal syndrome; Dilated cardiomyopathy with woolly hair and keratoderma; Arrhythmogenic cardiomyopathy with woolly hair and keratoderma; PALMOPLANTAR KERATODERMA WITH LEFT VENTRICULAR CARDIOMYOPATHY AND WOOLLY HAIR. Identifiers: Orphanet 65282, MedGen C1854063, MONDO:0011581, OMIM 605676.
Arrhythmogenic right ventricular dysplasia 8 (ARVD8). Also called: Arrhythmogenic Right Ventricular Dysplasia/Cardiomyopathy 8; ARRHYTHMOGENIC RIGHT VENTRICULAR DYSPLASIA, FAMILIAL, 8; ARRHYTHMOGENIC RIGHT VENTRICULAR CARDIOMYOPATHY 8. Identifiers: MedGen C1843896, MONDO:0011831, OMIM 607450.
Cardiomyopathy (CMYO). Also called: Cardiomyopathies. Identifiers: Orphanet 167848, MedGen C0878544, MONDO:0004994, HP:0001638. Inheritance: Various modes of inheritance.

Allele frequency attached by ClinVar (database versions not stated): gnomAD exomes below 0.00001; TOPMed below 0.00001; ExAC 0.00001; gnomAD 0.00001.
gnomAD v4.1: 9 of 1,613,834 alleles (0.00056%); highest among the groups gnomAD compares: Non-Finnish European, 0.00076%; no homozygotes.

Submissions (3):

Labcorp Genetics (formerly Invitae), Labcorp
Classification: Likely benign for Arrhythmogenic cardiomyopathy with wooly hair and keratoderma; Arrhythmogenic right ventricular dysplasia 8. Last evaluated: 2024-08-04. Review status: criteria provided, single submitter. Criteria: Invitae Variant Classification Sherloc (09022015). Collection method: clinical testing. Allele origin: germline.

All of Us Research Program, National Institutes of Health
Classification: Likely benign for Arrhythmogenic cardiomyopathy with wooly hair and keratoderma. Last evaluated: 2023-08-28. Review status: criteria provided, single submitter. Criteria: ACMG Guidelines, 2015. Collection method: clinical testing. Allele origin: germline. Inheritance: Autosomal dominant inheritance. Observed: 1 variant allele, 1 heterozygote.
Comment: This study involves interpretation of variants in research participants for the purpose of population health screening. Participant phenotype was not available at the time of variant classification. Additional details can be found in publication PMID: 35346344, PMCID: PMC8962531

Color Diagnostics, LLC DBA Color Health
Classification: Likely benign for Cardiomyopathy. Last evaluated: 2023-04-23. Review status: criteria provided, single submitter. Criteria: ACMG Guidelines, 2015. Collection method: clinical testing. Allele origin: germline.